The following is an entry in ClinVar:

NM_017802.4(DNAAF5):c.24G>A (p.Glu8=)

Genes: PRKAR1B (protein kinase cAMP-dependent type I regulatory subunit beta; minus strand), DNAAF5 (dynein axonemal assembly factor 5; plus strand). Cytogenetic location: 7p22.3.
Variant type: single nucleotide variant.
Coding change: c.24G>A on transcript NM_017802.4 (MANE Select); coding-DNA position 24, G replaced by A.
Protein change: p.Glu8=; no amino-acid change (glutamic acid 8 retained).
Molecular consequence: synonymous variant. On other transcripts: non-coding transcript variant (1), intron variant (3).
Genome position (GRCh38, 1-based): chr7:726,744, G>A. VCF-style: chr7-726744-G-A. GRCh37 (hg19) VCF-style: chr7-766381-G-A.
Other names: c.-23+911C>T (NM_001164759.1); c.-23+846C>T (NM_001164758.2); c.-23+466C>T (NM_001164760.2).
Identifiers: ClinVar variation 3003647 (VCV003003647.5), dbSNP rs1781307658, ClinGen allele CA453368881.
Genomic context (GRCh38, chr7:726,744, plus strand): 5'-AGCGCTGTTCCCCTTAGTGACCGGCGACGCGGGCAAGATGGCGGCGCTGGGGGTGGCGGA[G>A]GCCGTGGCGGCCCCACACCCGGCTGAGGGGGCCGAGACGGCTGAGGCGGTGGAGCTGAGC-3'
Protein context (NP_060272.3, residues 1-18): MAALGVA[Glu8=]AVAAPHPAEG

ClinVar aggregate classification (germline): Likely benign. Review status: criteria provided, single submitter (1 of 4 stars). 2 submissions from 2 submitters: Likely benign (1). 1 of the submissions does not count toward it. Last evaluated 2023-01-27.

Conditions:
Primary ciliary dyskinesia. Also called: Ciliary dyskinesia. Identifiers: Orphanet 244, MedGen C0008780, MONDO:0016575, HP:0012265.
DNAAF5-related disorder. Also called: DNAAF5-related condition.

Allele frequency attached by ClinVar (database versions not stated): TOPMed below 0.00001; gnomAD exomes 0.00001.
gnomAD v4.1: 9 of 1,245,462 alleles (0.00072%); highest among the groups gnomAD compares: Non-Finnish European, 0.0009%; no homozygotes.

Submissions (2):

Labcorp Genetics (formerly Invitae), Labcorp
Classification: Likely benign for Primary ciliary dyskinesia. Last evaluated: 2023-01-27. Review status: criteria provided, single submitter. Criteria: Invitae Variant Classification Sherloc (09022015). Collection method: clinical testing. Allele origin: germline.

PreventionGenetics, part of Exact Sciences
Classification: Likely benign for DNAAF5-related condition. Last evaluated: 2023-12-13. Review status: no assertion criteria provided. Collection method: clinical testing. Allele origin: germline. Not counted in ClinVar's aggregate classification.
Comment: This variant is classified as likely benign based on ACMG/AMP sequence variant interpretation guidelines (Richards et al. 2015 PMID: 25741868, with internal and published modifications).